The following is an entry in ClinVar:

ClinVar aggregate classification (germline): Likely benign. Review status: criteria provided, multiple submitters, no conflicts (2 of 4 stars). 2 submissions from 2 submitters: Likely benign (2). Last evaluated 2025-08-24.

Conditions:
NOTCH2-related disorder. Also called: NOTCH2-related condition.
Hajdu-Cheney syndrome (HJCYS). Also called: ACROOSTEOLYSIS WITH OSTEOPOROSIS AND CHANGES IN SKULL AND MANDIBLE; SERPENTINE FIBULA-POLYCYSTIC KIDNEY SYNDROME; Acroosteolysis dominant type. Identifiers: Orphanet 955, MedGen C0917715, MONDO:0007057, OMIM 102500.

Allele frequency attached by ClinVar (database versions not stated): gnomAD exomes below 0.00001; gnomAD 0.00001; TOPMed 0.00002.
gnomAD v4.1: 6 of 1,608,920 alleles (0.00037%); highest among the groups gnomAD compares: Non-Finnish European, 0.00051%; no homozygotes.

Submissions (2):

Labcorp Genetics (formerly Invitae), Labcorp
Classification: Likely benign for Hajdu-Cheney syndrome. Last evaluated: 2025-08-24. Review status: criteria provided, single submitter. Criteria: Invitae Variant Classification Sherloc (09022015). Collection method: clinical testing. Allele origin: germline.

PreventionGenetics, part of Exact Sciences
Classification: Likely benign for NOTCH2-related condition. Last evaluated: 2024-12-27. Review status: criteria provided, single submitter. Criteria: ACMG Guidelines, 2015. Collection method: clinical testing. Allele origin: germline.
Comment: This variant is classified as likely benign based on ACMG/AMP sequence variant interpretation guidelines (Richards et al. 2015 PMID: 25741868, with internal and published modifications).

NM_024408.4(NOTCH2):c.1915+9A>G

Gene: NOTCH2 (notch receptor 2; minus strand). Cytogenetic location: 1p12.
Variant type: single nucleotide variant.
Coding change: c.1915+9A>G on transcript NM_024408.4 (MANE Select); 9 bases into the intron after coding-DNA position 1915, A replaced by G.
Molecular consequence: intron variant.
Genome position (GRCh38, 1-based): chr1:119,963,565, T>C on the plus strand (A>G on the coding strand, the complement: NOTCH2 is on the minus strand). VCF-style: chr1-119963565-T-C. GRCh37 (hg19) VCF-style: chr1-120506188-T-C.
Other names: c.1915+9A>G (NM_001200001.2, NM_024408.3).
Identifiers: ClinVar variation 2039207 (VCV002039207.5), dbSNP rs1419284971, ClinGen allele CA525743975.